The following is an entry in ClinVar:

ClinVar aggregate classification (germline): Pathogenic/Likely pathogenic. Review status: criteria provided, multiple submitters, no conflicts (2 of 4 stars). 21 submissions from 21 submitters: Pathogenic (18); Likely pathogenic (2). 1 of the submissions does not count toward it. Last evaluated 2026-01-24.

Conditions:
CEP152-related disorder. Also called: CEP152-related disorders; CEP152-related condition. Identifiers: MedGen CN239248.
Inborn genetic diseases. Identifiers: MedGen C0950123, MeSH D030342.
Microcephaly 9, primary, autosomal recessive. Identifiers: Orphanet 2512, MedGen C3553886, MONDO:0013923, OMIM 614852.
Seckel syndrome 5 (SCKL5). Identifiers: Orphanet 808, MedGen C3151187, MONDO:0013443, OMIM 613823.

Allele frequency attached by ClinVar (database versions not stated): 1000 Genomes Project 30x 0.00047; gnomAD 0.00048; TOPMed 0.00050; 1000 Genomes Project 0.00060; ESP Exome Variant Server 0.00073.
gnomAD v4.1: 458 of 1,614,094 alleles (0.028%); highest among the groups gnomAD compares: African/African-American, 0.095%; no homozygotes.

Submissions (21):

Labcorp Genetics (formerly Invitae), Labcorp
Classification: Pathogenic. Last evaluated: 2026-01-24. Review status: criteria provided, single submitter. Criteria: Invitae Variant Classification Sherloc (09022015). Collection method: clinical testing. Allele origin: germline.
Comment: This sequence change creates a premature translational stop signal (p.Tyr678*) in the CEP152 gene. It is expected to result in an absent or disrupted protein product. Loss-of-function variants in CEP152 are known to be pathogenic (PMID: 21131973). This variant is present in population databases (rs182018947, gnomAD 0.1%). This premature translational stop signal has been observed in individual(s) with CEP152-related conditions (PMID: 21131973). ClinVar contains an entry for this variant (Variation ID: 158240). For these reasons, this variant has been classified as Pathogenic.

PreventionGenetics, part of Exact Sciences
Classification: Pathogenic for CEP152-related condition. Last evaluated: 2025-07-07. Review status: criteria provided, single submitter. Criteria: ACMG Guidelines, 2015. Collection method: clinical testing. Allele origin: germline.
Comment: The CEP152 c.2034T>G variant is predicted to result in premature protein termination (p.Tyr678*). This variant has been reported in the compound heterozygous state in individuals with Seckel Syndrome (see, for example, Kalay et al. 2011. PubMed ID: 21131973; Kim et al. 2024. PubMed ID: 38461804). It is reported in 0.13% of alleles in individuals of African descent in gnomAD, and it is has been listed as pathogenic or likely pathogenic by the majority of laboratories in ClinVar (ClinVar ID: 158240). Nonsense variants in CEP152 are expected to be pathogenic. This variant is interpreted as pathogenic.

First Genomix Gene Laboratory, Genetic Diagnostics Department
Classification: Pathogenic for Microcephaly 9, primary, autosomal recessive; Seckel syndrome 5. Last evaluated: 2025-06-11. Review status: criteria provided, single submitter. Criteria: ACMG Guidelines, 2015. Collection method: clinical testing. Allele origin: germline. Inheritance: Autosomal recessive inheritance. Affected: no.

Women's Health and Genetics/Laboratory Corporation of America, LabCorp
Classification: Pathogenic for CEP152-related disorder. Last evaluated: 2025-04-09. Review status: criteria provided, single submitter. Criteria: LabCorp Variant Classification Summary - May 2015. Collection method: clinical testing. Allele origin: germline.
Comment: Variant summary: CEP152 c.2034T>G (p.Tyr678X) results in a premature termination codon, predicted to cause a truncation of the encoded protein or absence of the protein due to nonsense mediated decay, which are commonly known mechanisms for disease. The variant allele was found at a frequency of 0.00027 in 249546 control chromosomes (gnomAD). This frequency is not significantly higher than estimated for a pathogenic variant in CEP152 causing CEP152-Related Disorders, allowing no conclusion about variant significance. c.2034T>G has been reported in the literature in individuals affected with CEP152-Related Disorders (Kalay_2011). To our knowledge, no experimental evidence demonstrating an impact on protein function has been reported. The following publication have been ascertained in the context of this evaluation (PMID: 21131973). ClinVar contains an entry for this variant (Variation ID: 158240). Based on the evidence outlined above, the variant was classified as pathogenic.

CeGaT Center for Human Genetics Tuebingen
Classification: Pathogenic. Last evaluated: 2025-04-01. Review status: criteria provided, single submitter. Criteria: CeGaT Center For Human Genetics Tuebingen Variant Classification Criteria Version 2. Collection method: clinical testing. Allele origin: germline. Affected: yes. Observed: 3 variant alleles.
Comment: CEP152: PVS1, PM2, PM3

Blueprint Genetics
Classification: Pathogenic for CEP152-related disorders. Last evaluated: 2024-09-01. Review status: criteria provided, single submitter. Criteria: ACMG Guidelines, 2015. Collection method: clinical testing. Allele origin: germline. Affected: yes. Observed: 5 variant alleles.

Genomic Research Center, Shahid Beheshti University of Medical Sciences
Classification: Likely pathogenic for Microcephaly 9, primary, autosomal recessive. Last evaluated: 2024-05-11. Review status: criteria provided, single submitter. Criteria: ACMG Guidelines, 2015. Collection method: clinical testing. Allele origin: inherited. Affected: yes. Observed: 1 variant allele.

Genomic Medicine Center of Excellence, King Faisal Specialist Hospital and Research Centre
Classification: Pathogenic for Microcephaly 9, primary, autosomal recessive. Last evaluated: 2024-03-26. Review status: criteria provided, single submitter. Criteria: ACMG Guidelines, 2015. Collection method: clinical testing. Allele origin: germline.

Illumina Laboratory Services, Illumina
Classification: Pathogenic for CEP152-related disorder. Last evaluated: 2023-05-24. Review status: criteria provided, single submitter. Criteria: ICSLVariantClassificationCriteria RUGD 01 April 2020. Collection method: clinical testing. Allele origin: unknown.

GeneDx
Classification: Pathogenic. Last evaluated: 2022-01-26. Review status: criteria provided, single submitter. Criteria: GeneDx Variant Classification Process June 2021. Collection method: clinical testing. Allele origin: germline. Affected: yes.
Comment: Nonsense variant predicted to result in protein truncation or nonsense mediated decay in a gene for which loss-of-function is a known mechanism of disease; This variant is associated with the following publications: (PMID: 30833958, 31980526, 25525159, 21131973, 27219052, 34426522)

Ambry Genetics
Classification: Pathogenic for Inborn genetic diseases. Last evaluated: 2022-01-13. Review status: criteria provided, single submitter. Criteria: Ambry Variant Classification Scheme 2023. Collection method: clinical testing. Allele origin: germline.
Comment: The c.2034T>G (p.Y678*) alteration, located in exon 16 (coding exon 15) of the CEP152 gene, consists of a T to G substitution at nucleotide position 2034. This changes the amino acid from a tyrosine (Y) to a stop codon at amino acid position 678. This alteration is expected to result in loss of function by premature protein truncation or nonsense-mediated mRNA decay. This alteration has been reported in the compound heterozygous state with a second CEP152 alteration in a patient with clinical features of CEP152-related Seckel syndrome (Kalay, 2011). Based on the available evidence, this alteration is classified as pathogenic.

3billion
Classification: Pathogenic for Microcephaly 9, primary, autosomal recessive. Last evaluated: 2021-10-02. Review status: criteria provided, single submitter. Criteria: ACMG Guidelines, 2015. Collection method: clinical testing. Allele origin: maternal. Affected: yes. Observed: 1 heterozygote.
Comment: Stop-gained (nonsense): predicted to result in a loss or disruption of normal protein function through nonsense-mediated decay (NMD) or protein truncation. Multiple pathogenic variants are reported downstream of the variant (PVS1_VS). It is observed at an extremely low frequency in the gnomAD v2.1.1 dataset (total allele frequency: 0.000295, PM2). The variant was observed in trans with a pathogenic variant (NM_001194998.1:c.314G>A) as compound heterozygous (3billion dataset, PM3).The variant has been reported as pathogenic (ClinVar ID: VCV000158240.10). Therefore, this variant is classified as pathogenic according to the recommendation of ACMG/AMP guideline.

Revvity Omics, Revvity
Classification: Pathogenic. Last evaluated: 2019-09-28. Review status: criteria provided, single submitter. Criteria: ACMG Guidelines, 2015. Collection method: clinical testing. Allele origin: germline.

Eurofins Ntd Llc (ga)
Classification: Likely pathogenic. Last evaluated: 2018-08-15. Review status: criteria provided, single submitter. Criteria: EGL ClinVar v180209 classification definitions. Collection method: clinical testing. Allele origin: germline. Observed: 1 variant allele, 1 heterozygote.

Fulgent Genetics
Classification: Pathogenic for Seckel syndrome 5; Microcephaly 9, primary, autosomal recessive. Last evaluated: 2017-05-18. Review status: criteria provided, single submitter. Criteria: ACMG Guidelines, 2015. Collection method: clinical testing. Allele origin: unknown.

Soonchunhyang University Bucheon Hospital, Soonchunhyang University Medical Center
Classification: Pathogenic for Seckel syndrome 5. Last evaluated: 2016-03-18. Review status: criteria provided, single submitter. Criteria: ACMG Guidelines, 2015. Collection method: reference population. Allele origin: germline. Observed: 1 variant allele.

Genetic Services Laboratory, University of Chicago
Classification: Pathogenic for Microcephaly 9, primary, autosomal recessive. Last evaluated: 2014-07-28. Review status: criteria provided, single submitter. Criteria: ACMG Guidelines, 2015. Collection method: clinical testing. Allele origin: germline. Inheritance: Autosomal recessive inheritance. Affected: yes.

Courtagen Diagnostics Laboratory, Courtagen Life Sciences
Classification: Pathogenic for Microcephaly 9, primary, autosomal recessive. Last evaluated: 2014-01-28. Review status: criteria provided, single submitter. Criteria: Courtagen Life Sciences Classifications. Collection method: clinical testing. Allele origin: germline.

Juno Genomics, Hangzhou Juno Genomics, Inc
Classification: Pathogenic for Seckel syndrome 5. Review status: criteria provided, single submitter. Criteria: ACMG Guidelines, 2015. Collection method: clinical testing. Allele origin: germline.
Comment: Absent from controls (or at extremely low frequency if recessive) in Genome Aggregation Database.;Null variant in a gene where loss of function (LOF) is a known mechanism of disease.;For recessive disorders, detected in trans with a pathogenic variant.;Co-segregation with disease in multiple affected family members.;Patient's phenotype or family history is highly specific for a disease with a single genetic etiology.

Neuberg Centre For Genomic Medicine, NCGM
Classification: Pathogenic for Seckel syndrome 5. Review status: criteria provided, single submitter. Criteria: ACMG Guidelines, 2015. Collection method: clinical testing. Allele origin: germline. Inheritance: Autosomal recessive inheritance. Affected: yes.
Comment: The stop gained c.2034T>G(p.Tyr678Ter) variant in CEP152 gene has been reported previously in compound heterozygous state in individual(s) affected with Seckel syndrome (Kalay E, et. al., 2011; Fujikura K., 2016). The p.Tyr678Ter variant has been reported with allele frequency of 0.03% in gnomAD Exomes. This variant has been reported to the ClinVar database as Uncertain Signifiance / Likely Pathogenic / Pathogenic (multiple submissions). The nucleotide change c.2034T>G in CEP152 is predicted as conserved by GERP++. This sequence change creates a premature translational stop signal (p.Tyr678Ter) in the CEP152 gene. This variant is predicted to cause loss of normal protein function through protein truncation. Loss of function variants have been previously reported to be disease causing. For these reasons, this variant has been classified as Pathogenic.

OMIM
Classification: Pathogenic for SECKEL SYNDROME 5. Last evaluated: 2011-01-01. Review status: no assertion criteria provided. Collection method: literature only. Allele origin: germline. Not counted in ClinVar's aggregate classification.

Literature cited by the submitters: PubMed 21131973 (cited by 6 submitters).

NM_001194998.2(CEP152):c.2034T>G (p.Tyr678Ter)

Gene: CEP152 (centrosomal protein 152; minus strand). Cytogenetic location: 15q21.1.
Variant type: single nucleotide variant.
Coding change: c.2034T>G on transcript NM_001194998.2 (MANE Select); coding-DNA position 2034, T replaced by G.
Protein change: p.Tyr678Ter; replaces tyrosine 678 with a stop codon.
Molecular consequence: nonsense.
Genome position (GRCh38, 1-based): chr15:48,767,448, A>C on the plus strand (T>G on the coding strand, the complement: CEP152 is on the minus strand). VCF-style: chr15-48767448-A-C. GRCh37 (hg19) VCF-style: chr15-49059645-A-C.
Other names: c.2034T>G, p.Tyr678Ter (NM_014985.4); short protein forms Y678*.
Identifiers: ClinVar variation 158240 (VCV000158240.73), dbSNP rs182018947, ClinGen allele CA211025.